The following is an entry in ClinVar:

NM_000218.3(KCNQ1):c.314A>T (p.His105Leu)

Gene: KCNQ1 (potassium voltage-gated channel subfamily Q member 1; plus strand). Cytogenetic location: 11p15.5.
Variant type: single nucleotide variant.
Coding change: c.314A>T on transcript NM_000218.3 (MANE Select); coding-DNA position 314, A replaced by T.
Protein change: p.His105Leu; replaces histidine 105 with leucine.
Molecular consequence: missense variant.
Genome position (GRCh38, 1-based): chr11:2,445,412, A>T. VCF-style: chr11-2445412-A-T. GRCh37 (hg19) VCF-style: chr11-2466642-A-T.
Other names: c.314A>T (LRG_287t1); short protein forms H105L.
Identifiers: ClinVar variation 67065 (VCV000067065.1), dbSNP rs199473447, ClinGen allele CA006784.

ClinVar aggregate classification (germline): not provided (0 of 4 stars; one submission).

Conditions:
Familial long QT syndrome (RWS). Also called: Congenital long QT syndrome; Romano-Ward syndrome; VENTRICULAR FIBRILLATION WITH PROLONGED QT INTERVAL. Identifiers: Orphanet 768, MedGen C1141890, MONDO:0019171.

Submission:

Cardiovascular Biomedical Research Unit, Royal Brompton & Harefield NHS Foundation Trust
No classification provided. Condition: Familial long QT syndrome. Review status: no classification provided. Collection method: literature only. Allele origin: germline.
Comment: This variant has been reported as associated with Long QT syndrome in the following publications (PMID:16012827). This is a literature report, and does not necessarily reflect the clinical interpretation of the Imperial College / Royal Brompton Cardiovascular Genetics laboratory.

Literature cited by the submitters: PubMed 16012827; PubMed 22581653.